The following is an entry in ClinVar:

NM_003072.5(SMARCA4):c.1752_1755del (p.Lys585fs)

Gene: SMARCA4 (SWI/SNF related, matrix associated, actin dependent regulator of chromatin, subfamily a, member 4; plus strand). Cytogenetic location: 19p13.2.
Variant type: Deletion.
Coding change: c.1752_1755del on transcript NM_003072.5 (MANE Select); coding-DNA positions 1752 to 1755, 4 bases deleted (GAAA; older notation c.1752_1755delGAAA).
Protein change: p.Lys585fs; shifts the reading frame from lysine 585.
Molecular consequence: frameshift variant. On other transcripts: non-coding transcript variant (1).
Genome position (GRCh38, 1-based): chr19:10,996,371-10,996,374, GAAA deleted; deleting any 4 consecutive bases within chr19:10,996,368-10,996,374 gives the same sequence; the c. name uses the placement nearest the transcript's 3' end. VCF-style (leftmost placement, unchanged base first): chr19-10996367-AAAAG-A. GRCh37 (hg19) VCF-style: chr19-11107043-AAAAG-A.
Other names: c.1752_1755del, p.Lys585fs (NM_001128844.3, NM_001128845.2, NM_001128846.2 and 4 more transcripts); short protein forms K585fs.
Identifiers: ClinVar variation 873514 (VCV000873514.5), dbSNP rs2087041072, ClinGen allele CA1139666241.

ClinVar aggregate classification (germline): Likely pathogenic. Review status: criteria provided, multiple submitters, no conflicts (2 of 4 stars). 2 submissions from 2 submitters: Likely pathogenic (2). Last evaluated 2021-04-14.

Conditions:
Rhabdoid tumor predisposition syndrome 2 (RTPS2). Identifiers: Orphanet 231108, Orphanet 69077, MedGen C2750074, MONDO:0013224, OMIM 613325.

Submissions (2):

Baylor Genetics
Classification: Likely pathogenic for Rhabdoid tumor predisposition syndrome 2. Last evaluated: 2021-04-14. Review status: criteria provided, single submitter. Criteria: ACMG Guidelines, 2015. Collection method: clinical testing. Allele origin: unknown.

Illumina Laboratory Services, Illumina
Classification: Likely pathogenic for Rhabdoid tumor predisposition syndrome 2. Last evaluated: 2020-01-27. Review status: criteria provided, single submitter. Criteria: ICSLVariantClassificationCriteria RUGD 01 April 2020. Collection method: clinical testing. Allele origin: unknown.
Comment: The SMARCA4 c.1752_1755delGAAA (p.Lys585ArgfsTer27) variant results in a frameshift and is predicted to result in a premature termination of the protein. A literature search was performed for the gene, cDNA change, and amino acid change. No publications were found based on this search. This variant is not found in the Genome Aggregation Consortium in a region of good sequencing coverage, so the variant is presumed to be rare. Based on the predicted truncating nature of the variant and its rarity, the p.Lys585ArgfsTer27 variant is classified as likely pathogenic for rhabdoid tumor predisposition syndrome.